The following is an entry in ClinVar:

GRCh38/hg38 3q12.3(chr3:102481295-102566368)x3

Gene: LOC123002323 (Sharpr-MPRA regulatory region 11515; plus strand). Cytogenetic location: 3q12.3.
Variant type: copy number gain.
Change: copy number 3 (three copies instead of two) of chr3:102,481,295-102,566,368 (85.1 kb, GRCh38 coordinates, 1-based), cytogenetic band 3q12.3.
Identifiers: ClinVar variation 144854 (VCV000144854.1).

ClinVar aggregate classification (germline): conflicting data from submitters (0 of 4 stars; one submission).

Submission:

GeneDx
Classification: conflicting data from submitters. Last evaluated: 2011-04-30. Review status: no assertion criteria provided. Collection method: clinical testing. Allele origin: not provided. Affected: yes. Observed: 2 variant alleles.
Comment: Uncertain significance(1), Benign (1)